The following is an entry in ClinVar:

ClinVar aggregate classification (germline): Pathogenic (1 of 4 stars; one submission).

Conditions:
Myofibrillar myopathy 5. Also called: Filaminopathy (type); FILAMINOPATHY, AUTOSOMAL DOMINANT. Identifiers: Orphanet 171445, MedGen C1836050, MONDO:0012289, OMIM 609524.
Distal myopathy with posterior leg and anterior hand involvement. Also called: WILLIAMS DISTAL MYOPATHY. Identifiers: Orphanet 63273, MedGen C3279722, MONDO:0013550, OMIM 614065.
Hypertrophic cardiomyopathy 26. Also called: Cardiomyopathy, familial hypertrophic, 26. Identifiers: Orphanet 75249, MedGen C4310749, MONDO:0014883, OMIM 617047.

Submission:

Labcorp Genetics (formerly Invitae), Labcorp
Classification: Pathogenic for Distal myopathy with posterior leg and anterior hand involvement; Myofibrillar myopathy 5; Hypertrophic cardiomyopathy 26. Last evaluated: 2023-08-08. Review status: criteria provided, single submitter. Criteria: Invitae Variant Classification Sherloc (09022015). Collection method: clinical testing. Allele origin: germline.
Comment: For these reasons, this variant has been classified as Pathogenic. Algorithms developed to predict the effect of sequence changes on RNA splicing suggest that this variant may create or strengthen a splice site. This variant has not been reported in the literature in individuals affected with FLNC-related conditions. This variant is not present in population databases (gnomAD no frequency). This sequence change creates a premature translational stop signal (p.Gln2166*) in the FLNC gene. It is expected to result in an absent or disrupted protein product. Loss-of-function variants in FLNC are known to be pathogenic (PMID: 27908349).

Literature cited by the submitters: PubMed 27908349.

NM_001458.5(FLNC):c.6496C>T (p.Gln2166Ter)

Genes: FLNC (filamin C; plus strand), FLNC-AS1 (FLNC antisense RNA 1; minus strand). Cytogenetic location: 7q32.1.
Variant type: single nucleotide variant.
Coding change: c.6496C>T on transcript NM_001458.5 (MANE Select); coding-DNA position 6496, C replaced by T.
Protein change: p.Gln2166Ter; replaces glutamine 2166 with a stop codon.
Molecular consequence: nonsense.
Genome position (GRCh38, 1-based): chr7:128,853,985, C>T. VCF-style: chr7-128853985-C-T. GRCh37 (hg19) VCF-style: chr7-128494039-C-T.
Other names: c.6397C>T, p.Gln2133Ter (NM_001127487.2); short protein forms Q2133*, Q2166*.
Identifiers: ClinVar variation 2950813 (VCV002950813.3), dbSNP rs2536663470, ClinGen allele CA369212687.
Genomic context (GRCh38, chr7:128,853,985, plus strand): 5'-TCCTCACCCCTCGCTTCCCTCCCTCACCCTGGCTCCCTTGACCACACAGGAAACTGGTTC[C>T]AGATGGTGTCTGCCCAGGAGCGCCTGACACGCACCTTCACACGCAGCAGCCACACCTACA-3'